The following is an entry in ClinVar:

NM_001003800.2(BICD2):c.916G>A (p.Gly306Ser)

Gene: BICD2 (BICD cargo adaptor 2; minus strand). Cytogenetic location: 9q22.31.
Variant type: single nucleotide variant.
Coding change: c.916G>A on transcript NM_001003800.2 (MANE Select); coding-DNA position 916, G replaced by A.
Protein change: p.Gly306Ser; replaces glycine 306 with serine.
Molecular consequence: missense variant.
Genome position (GRCh38, 1-based): chr9:92,720,446, C>T on the plus strand (G>A on the coding strand, the complement: BICD2 is on the minus strand). VCF-style: chr9-92720446-C-T. GRCh37 (hg19) VCF-style: chr9-95482728-C-T.
Other names: c.916G>A, p.Gly306Ser (NM_015250.4); short protein forms G306S.
Identifiers: ClinVar variation 1766038 (VCV001766038.3), dbSNP rs1201645469, ClinGen allele CA374042978.

ClinVar aggregate classification (germline): Uncertain significance. Review status: criteria provided, multiple submitters, no conflicts (2 of 4 stars). 2 submissions from 2 submitters: Uncertain significance (2). Last evaluated 2025-09-24.

Conditions:
Inborn genetic diseases. Identifiers: MedGen C0950123, MeSH D030342.
Autosomal dominant childhood-onset proximal spinal muscular atrophy with contractures (SMALED2A). Also called: SPINAL MUSCULAR ATROPHY, LOWER EXTREMITY-PREDOMINANT, 2A, CHILDHOOD ONSET, AUTOSOMAL DOMINANT; Spinal muscular atrophy, lower extremity-predominant, 2A, autosomal dominant. Identifiers: Orphanet 363447, Orphanet 363454, MedGen C4747715, MONDO:0014121, OMIM 615290.

Allele frequency attached by ClinVar (database versions not stated): gnomAD 0.00002; TOPMed 0.00003.
gnomAD v4.1: 15 of 1,614,040 alleles (0.00093%); highest among the groups gnomAD compares: African/African-American, 0.004%; no homozygotes.

Submissions (2):

Labcorp Genetics (formerly Invitae), Labcorp
Classification: Uncertain significance for Autosomal dominant childhood-onset proximal spinal muscular atrophy with contractures. Last evaluated: 2025-09-24. Review status: criteria provided, single submitter. Criteria: Invitae Variant Classification Sherloc (09022015). Collection method: clinical testing. Allele origin: germline.
Comment: This sequence change replaces glycine, which is neutral and non-polar, with serine, which is neutral and polar, at codon 306 of the BICD2 protein (p.Gly306Ser). This variant is present in population databases (no rsID available, gnomAD 0.003%). This variant has not been reported in the literature in individuals affected with BICD2-related conditions. ClinVar contains an entry for this variant (Variation ID: 1766038). Invitae Evidence Modeling of protein sequence and biophysical properties (such as structural, functional, and spatial information, amino acid conservation, physicochemical variation, residue mobility, and thermodynamic stability) indicates that this missense variant is not expected to disrupt BICD2 protein function with a negative predictive value of 80%. In summary, the available evidence is currently insufficient to determine the role of this variant in disease. Therefore, it has been classified as a Variant of Uncertain Significance.

Ambry Genetics
Classification: Uncertain significance for Inborn genetic diseases. Last evaluated: 2020-06-30. Review status: criteria provided, single submitter. Criteria: Ambry Variant Classification Scheme 2023. Collection method: clinical testing. Allele origin: germline.
Comment: The p.G306S variant (also known as c.916G>A), located in coding exon 4 of the BICD2 gene, results from a G to A substitution at nucleotide position 916. The glycine at codon 306 is replaced by serine, an amino acid with similar properties. This amino acid position is not well conserved in available vertebrate species, and serine is the reference amino acid in other vertebrate species. In addition, this alteration is predicted to be tolerated by in silico analysis. Since supporting evidence is limited at this time, the clinical significance of this alteration remains unclear.